The following is an entry in ClinVar:

NM_020821.3(VPS13C):c.922A>T (p.Asn308Tyr)

Gene: VPS13C (vacuolar protein sorting 13 homolog C; minus strand). Cytogenetic location: 15q22.2.
Variant type: single nucleotide variant.
Coding change: c.922A>T on transcript NM_020821.3 (MANE Select); coding-DNA position 922, A replaced by T.
Protein change: p.Asn308Tyr; replaces asparagine 308 with tyrosine.
Molecular consequence: missense variant.
Genome position (GRCh38, 1-based): chr15:62,010,561, T>A on the plus strand (A>T on the coding strand, the complement: VPS13C is on the minus strand). VCF-style: chr15-62010561-T-A. GRCh37 (hg19) VCF-style: chr15-62302760-T-A.
Other names: c.793A>T, p.Asn265Tyr (NM_018080.4, NM_017684.5); c.922A>T, p.Asn308Tyr (NM_001018088.3); short protein forms N265Y, N308Y.
Identifiers: ClinVar variation 1389152 (VCV001389152.6), dbSNP rs1192903382, ClinGen allele CA392689174.

ClinVar aggregate classification (germline): Uncertain significance (1 of 4 stars; one submission).

Allele frequency attached by ClinVar (database versions not stated): gnomAD 0.00001.

Submission:

Labcorp Genetics (formerly Invitae), Labcorp
Classification: Uncertain significance. Last evaluated: 2024-12-09. Review status: criteria provided, single submitter. Criteria: Invitae Variant Classification Sherloc (09022015). Collection method: clinical testing. Allele origin: germline.
Comment: This sequence change replaces asparagine, which is neutral and polar, with tyrosine, which is neutral and polar, at codon 308 of the VPS13C protein (p.Asn308Tyr). This variant is present in population databases (no rsID available, gnomAD 0.007%). This variant has not been reported in the literature in individuals affected with VPS13C-related conditions. ClinVar contains an entry for this variant (Variation ID: 1389152). Invitae Evidence Modeling of protein sequence and biophysical properties (such as structural, functional, and spatial information, amino acid conservation, physicochemical variation, residue mobility, and thermodynamic stability) has been performed for this missense variant. However, the output from this modeling did not meet the statistical confidence thresholds required to predict the impact of this variant on VPS13C protein function. Algorithms developed to predict the effect of sequence changes on RNA splicing suggest that this variant may create or strengthen a splice site. In summary, the available evidence is currently insufficient to determine the role of this variant in disease. Therefore, it has been classified as a Variant of Uncertain Significance.